The following is an entry in ClinVar:

NM_000492.4(CFTR):c.3315G>T (p.Met1105Ile)

Genes: CFTR (CF transmembrane conductance regulator; plus strand), CFTR-AS2 (CFTR antisense RNA 2; minus strand), LOC111674472 (DNase I hypersensitive sites in introns 16 and 17a of CFTR; plus strand). Cytogenetic location: 7q31.2.
Variant type: single nucleotide variant.
Coding change: c.3315G>T on transcript NM_000492.4 (MANE Select); coding-DNA position 3315, G replaced by T.
Protein change: p.Met1105Ile; replaces methionine 1105 with isoleucine.
Molecular consequence: missense variant.
Genome position (GRCh38, 1-based): chr7:117,611,756, G>T. VCF-style: chr7-117611756-G-T. GRCh37 (hg19) VCF-style: chr7-117251810-G-T.
Other names: short protein forms M1105I.
Identifiers: ClinVar variation 837480 (VCV000837480.10), dbSNP rs1792392768, ClinGen allele CA368992507.

ClinVar aggregate classification (germline): Uncertain significance. Review status: criteria provided, single submitter (1 of 4 stars). 2 submissions from 2 submitters: Uncertain significance (1). 1 of the submissions does not count toward it. Last evaluated 2019-12-23.

Conditions:
CFTR-related disorder (CFTR-RD). Also called: CFTR-related condition; CFTR-related disorders. Identifiers: MedGen C5924204, MONDO:7770004.
Cystic fibrosis (CF). Also called: MUCOVISCIDOSIS. Identifiers: Orphanet 586, MedGen C0010674, MONDO:0009061, OMIM 219700. Disease mechanism: loss of function.

Submissions (2):

Labcorp Genetics (formerly Invitae), Labcorp
Classification: Uncertain significance for Cystic fibrosis. Last evaluated: 2019-12-23. Review status: criteria provided, single submitter. Criteria: Invitae Variant Classification Sherloc (09022015). Collection method: clinical testing. Allele origin: germline.
Comment: In summary, the available evidence is currently insufficient to determine the role of this variant in disease. Therefore, it has been classified as a Variant of Uncertain Significance. Algorithms developed to predict the effect of missense changes on protein structure and function output the following: SIFT: "Tolerated"; PolyPhen-2: "Benign"; Align-GVGD: "Class C0". The isoleucine amino acid residue is found in multiple mammalian species, suggesting that this missense change does not adversely affect protein function. These predictions have not been confirmed by published functional studies and their clinical significance is uncertain. This variant has not been reported in the literature in individuals with CFTR-related conditions. This variant is not present in population databases (ExAC no frequency). This sequence change replaces methionine with isoleucine at codon 1105 of the CFTR protein (p.Met1105Ile). The methionine residue is moderately conserved and there is a small physicochemical difference between methionine and isoleucine.

Natera, Inc.
Classification: Uncertain significance for CFTR-related disorders. Last evaluated: 2020-09-29. Review status: no assertion criteria provided. Collection method: clinical testing. Allele origin: germline. Not counted in ClinVar's aggregate classification.